The following is an entry in ClinVar:

NC_012920.1(MT-ND5):m.12520A>G

Gene: MT-ND5 (mitochondrially encoded NADH dehydrogenase 5; plus strand).
Variant type: single nucleotide variant.
Genome position: chrM-12520-A-G.
Identifiers: ClinVar variation 693457 (VCV000693457.1), dbSNP rs1603223781, ClinGen allele CA414813553.

ClinVar aggregate classification (germline): Uncertain significance (1 of 4 stars; one submission).

Conditions:
Leigh syndrome (NULS). Also called: Leigh's necrotizing encephalopathy; Leigh's disease; Leigh Syndrome (mtDNA deletion); Leigh Disease; Subacute necrotizing encephalopathy; Necrotizing encephalopathy infantile subacute of Leigh. Identifiers: Orphanet 506, MedGen C2931891, MONDO:0009723, OMIM 256000.

Submission:

Wong Mito Lab, Molecular and Human Genetics, Baylor College of Medicine
Classification: Uncertain significance for Leigh syndrome. Last evaluated: 2019-10-17. Review status: criteria provided, single submitter. Criteria: Modified ACMG Guidelines (Unpublished). Collection method: clinical testing. Allele origin: germline.
Comment: The NC_012920.1:m.12520A>G (YP_003024036.1:p.Ile62Val) variant in MTND5 gene is interpretated to be a Uncertain Significance variant based on the modified ACMG guidelines (unpublished). This variant meets the following evidence codes: PP7, BP4